The following is an entry in ClinVar:

NM_006846.4(SPINK5):c.882+238G>A

Gene: SPINK5 (serine peptidase inhibitor Kazal type 5; plus strand). Cytogenetic location: 5q32.
Variant type: single nucleotide variant.
Coding change: c.882+238G>A on transcript NM_006846.4 (MANE Select); 238 bases into the intron after coding-DNA position 882, G replaced by A.
Molecular consequence: intron variant.
Genome position (GRCh38, 1-based): chr5:148,096,143, G>A. VCF-style: chr5-148096143-G-A. GRCh37 (hg19) VCF-style: chr5-147475706-G-A.
Other names: c.882+238G>A (NM_001127698.2, NM_001127699.2).
Identifiers: ClinVar variation 677125 (VCV000677125.1), dbSNP rs35803917, ClinGen allele CA12107273.

ClinVar aggregate classification (germline): Benign (1 of 4 stars; one submission).

Allele frequency attached by ClinVar (database versions not stated): 1000 Genomes Project 30x 0.45112; 1000 Genomes Project 0.45208; gnomAD 0.45984 and 0.46310; TOPMed 0.46564.
gnomAD v4.1: 70,346 of 151,696 alleles (46%); highest among the groups gnomAD compares: Admixed American, 59%; 17,077 homozygotes.

Submission:

GeneDx
Classification: Benign. Last evaluated: 2018-06-14. Review status: criteria provided, single submitter. Criteria: GeneDx Variant Classification (06012015). Collection method: clinical testing. Allele origin: germline. Affected: yes.
Comment: This variant is considered likely benign or benign based on one or more of the following criteria: it is a conservative change, it occurs at a poorly conserved position in the protein, it is predicted to be benign by multiple in silico algorithms, and/or has population frequency not consistent with disease.